The following is an entry in ClinVar:

ClinVar aggregate classification (germline): Uncertain significance (1 of 4 stars; one submission).

Conditions:
Amyotrophic lateral sclerosis type 1 (ALS1). Also called: AMYOTROPHIC LATERAL SCLEROSIS 1, FAMILIAL. Identifiers: Orphanet 803, MedGen C1862939, MONDO:0007103, OMIM 105400.
Neuronopathy, distal hereditary motor, type 7B. Also called: HMN VIIB; LOWER MOTOR NEURON DISEASE, DYNACTIN TYPE; NEURONOPATHY, DISTAL HEREDITARY MOTOR, AUTOSOMAL DOMINANT 14; NEURONOPATHY, DISTAL HEREDITARY MOTOR, HARDING TYPE VIIB; NEUROPATHY, DISTAL HEREDITARY MOTOR, HARDING TYPE VIIB; NEUROPATHY, DISTAL HEREDITARY MOTOR, WITH VOCAL CORD PARALYSIS, HARDING TYPE VIIB. Identifiers: Orphanet 139589, MedGen C1843315, MONDO:0011879, OMIM 607641.
Perry syndrome. Also called: PARKINSONISM WITH ALVEOLAR HYPOVENTILATION AND MENTAL DEPRESSION. Identifiers: Orphanet 178509, MedGen C1868594, MONDO:0008201, OMIM 168605.

Submission:

Labcorp Genetics (formerly Invitae), Labcorp
Classification: Uncertain significance for Amyotrophic lateral sclerosis type 1; Neuronopathy, distal hereditary motor, type 7B; Perry syndrome. Last evaluated: 2026-01-15. Review status: criteria provided, single submitter. Criteria: Invitae Variant Classification Sherloc (09022015). Collection method: clinical testing. Allele origin: germline.
Comment: This sequence change replaces proline, which is neutral and non-polar, with leucine, which is neutral and non-polar, at codon 1220 of the DCTN1 protein (p.Pro1220Leu). This variant is not present in population databases (gnomAD no frequency). This variant has not been reported in the literature in individuals affected with DCTN1-related conditions. Invitae Evidence Modeling of protein sequence and biophysical properties (such as structural, functional, and spatial information, amino acid conservation, physicochemical variation, residue mobility, and thermodynamic stability) indicates that this missense variant is not expected to disrupt DCTN1 protein function with a negative predictive value of 95%. In summary, the available evidence is currently insufficient to determine the role of this variant in disease. Therefore, it has been classified as a Variant of Uncertain Significance.

NM_004082.5(DCTN1):c.3659C>T (p.Pro1220Leu)

Gene: DCTN1 (dynactin subunit 1; minus strand). Cytogenetic location: 2p13.1.
Variant type: single nucleotide variant.
Coding change: c.3659C>T on transcript NM_004082.5 (MANE Select); coding-DNA position 3659, C replaced by T.
Protein change: p.Pro1220Leu; replaces proline 1220 with leucine.
Molecular consequence: missense variant. On other transcripts: non-coding transcript variant (1).
Genome position (GRCh38, 1-based): chr2:74,362,092, G>A on the plus strand (C>T on the coding strand, the complement: DCTN1 is on the minus strand). VCF-style: chr2-74362092-G-A. GRCh37 (hg19) VCF-style: chr2-74589219-G-A.
Other names: c.3584C>T, p.Pro1195Leu (NM_001135040.3); c.3242C>T, p.Pro1081Leu (NM_001135041.3); c.3533C>T, p.Pro1178Leu (NM_001190836.2); c.3638C>T, p.Pro1213Leu (NM_001190837.2); c.3608C>T, p.Pro1203Leu (NM_001378991.1); c.3590C>T, p.Pro1197Leu (NM_001378992.1); c.3257C>T, p.Pro1086Leu (NM_023019.4); short protein forms P1081L, P1197L, P1203L, P1178L, P1213L, P1086L, P1220L, P1195L.
Identifiers: ClinVar variation 4787658 (VCV004787658.1).